The following is an entry in ClinVar:

ClinVar aggregate classification (germline): Uncertain significance (1 of 4 stars; one submission).

gnomAD v4.1: 10 of 1,613,548 alleles (0.00062%); highest among the groups gnomAD compares: Admixed American, 0.013%; no homozygotes.

Submission:

Ambry Genetics
Classification: Uncertain significance. Last evaluated: 2025-10-28. Review status: criteria provided, single submitter. Criteria: Ambry Variant Classification Scheme 2023. Collection method: clinical testing. Allele origin: germline.
Comment: The p.L738V variant (also known as c.2212C>G), located in coding exon 13 of the GEN1 gene, results from a C to G substitution at nucleotide position 2212. The leucine at codon 738 is replaced by valine, an amino acid with highly similar properties. This amino acid position is conserved. In addition, this alteration is predicted to be tolerated by in silico analysis. Based on the available evidence, the clinical significance of this variant remains unclear.

NM_001130009.3(GEN1):c.2212C>G (p.Leu738Val)

Gene: GEN1 (GEN1 structure-specific endonuclease; plus strand). Cytogenetic location: 2p24.2.
Variant type: single nucleotide variant.
Coding change: c.2212C>G on transcript NM_001130009.3 (MANE Select); coding-DNA position 2212, C replaced by G.
Protein change: p.Leu738Val; replaces leucine 738 with valine.
Molecular consequence: missense variant.
Genome position (GRCh38, 1-based): chr2:17,781,424, C>G. VCF-style: chr2-17781424-C-G. GRCh37 (hg19) VCF-style: chr2-17962691-C-G.
Other names: c.2212C>G, p.Leu738Val (NM_182625.5); short protein forms L738V.
Identifiers: ClinVar variation 4671488 (VCV004671488.1).